The following is an entry in ClinVar:

ClinVar aggregate classification (germline): Benign. Review status: criteria provided, multiple submitters, no conflicts (2 of 4 stars). 2 submissions from 2 submitters: Benign (2). Last evaluated 2025-03-01.

Allele frequency attached by ClinVar (database versions not stated): 1000 Genomes Project 30x 0.00219; 1000 Genomes Project 0.00240; TOPMed 0.00643; ESP Exome Variant Server 0.00723.
gnomAD v4.1: 15,690 of 1,614,092 alleles (0.97%); highest among the groups gnomAD compares: Non-Finnish European, 1.1%; 105 homozygotes.

Submissions (2):

CeGaT Center for Human Genetics Tuebingen
Classification: Benign. Last evaluated: 2025-03-01. Review status: criteria provided, single submitter. Criteria: CeGaT Center For Human Genetics Tuebingen Variant Classification Criteria Version 2. Collection method: clinical testing. Allele origin: germline. Affected: yes. Observed: 2 variant alleles.
Comment: CCR6: BP4, BP7, BS1, BS2

Labcorp Genetics (formerly Invitae), Labcorp
Classification: Benign. Last evaluated: 2018-07-20. Review status: criteria provided, single submitter. Criteria: Invitae Variant Classification Sherloc (09022015). Collection method: clinical testing. Allele origin: germline.

NM_031409.4(CCR6):c.477A>G (p.Arg159=)

Gene: CCR6 (C-C motif chemokine receptor 6; plus strand). Cytogenetic location: 6q27.
Variant type: single nucleotide variant.
Coding change: c.477A>G on transcript NM_031409.4 (MANE Select); coding-DNA position 477, A replaced by G.
Protein change: p.Arg159=; no amino-acid change (arginine 159 retained).
Molecular consequence: synonymous variant.
Genome position (GRCh38, 1-based): chr6:167,136,707, A>G. VCF-style: chr6-167136707-A-G. GRCh37 (hg19) VCF-style: chr6-167550195-A-G.
Other names: c.477A>G, p.Arg159= (NM_001394582.1, NM_004367.6).
Identifiers: ClinVar variation 717856 (VCV000717856.16), dbSNP rs41510645, ClinGen allele CA4095829.